The following is an entry in ClinVar:

ClinVar aggregate classification (germline): Uncertain significance (1 of 4 stars; one submission).

Conditions:
Familial cancer of breast. Also called: hereditary breast carcinoma; BREAST CANCER, FAMILIAL; Hereditary breast cancer. Identifiers: Orphanet 227535, MedGen C0346153, MONDO:0016419, OMIM 114480. Disease mechanism: loss of function.

Submission:

Labcorp Genetics (formerly Invitae), Labcorp
Classification: Uncertain significance for Familial cancer of breast. Last evaluated: 2023-01-30. Review status: criteria provided, single submitter. Criteria: Invitae Variant Classification Sherloc (09022015). Collection method: clinical testing. Allele origin: germline.
Comment: This sequence change results in a frameshift in the CHEK2 gene (p.Glu526Cysfs*20). While this is not anticipated to result in nonsense mediated decay, it is expected to disrupt the last 18 amino acid(s) of the CHEK2 protein and extend the protein by 1 additional amino acid residues. This variant is not present in population databases (gnomAD no frequency). This variant has not been reported in the literature in individuals affected with CHEK2-related conditions. Experimental studies and prediction algorithms are not available or were not evaluated, and the functional significance of this variant is currently unknown. In summary, the available evidence is currently insufficient to determine the role of this variant in disease. Therefore, it has been classified as a Variant of Uncertain Significance.

NM_007194.4(CHEK2):c.1576_1586del (p.Glu526fs)

Gene: CHEK2 (checkpoint kinase 2; minus strand). Cytogenetic location: 22q12.1.
Variant type: Deletion.
Coding change: c.1576_1586del on transcript NM_007194.4 (MANE Select); coding-DNA positions 1576 to 1586, 11 bases deleted (GAAGCCGAGGG).
Protein change: p.Glu526fs; shifts the reading frame from glutamic acid 526.
Molecular consequence: frameshift variant.
Genome position (GRCh38, 1-based): chr22:28,687,943-28,687,953, CCCTCGGCTTC deleted on the plus strand (GAAGCCGAGGG on the coding strand, the reverse complement: CHEK2 is on the minus strand); deleting any 11 consecutive bases within chr22:28,687,943-28,687,957 gives the same sequence; the c. name uses the placement nearest the transcript's 3' end. VCF-style (leftmost placement, unchanged base first): chr22-28687942-ACCCTCGGCTTC-A. GRCh37 (hg19) VCF-style: chr22-29083930-ACCCTCGGCTTC-A.
Other names: c.1701_1711delAGGGGAAGCCG, p.Glu569Cysfs (NM_001005735.3); c.909_919delAGGGGAAGCCG, p.Glu305Cysfs (NM_001257387.3); c.1371_1381delAGGGGAAGCCG, p.Glu459Cysfs (NM_001349956.3); c.1485_1495delAGGGGAAGCCG, p.Glu497Cysfs (NM_145862.3); short protein forms E305fs, E526fs, E459fs, E497fs, E569fs.
Identifiers: ClinVar variation 2026331 (VCV002026331.4), dbSNP rs2517748066, ClinGen allele CA2580099509.